The following is an entry in ClinVar:

ClinVar aggregate classification (germline): Pathogenic/Likely pathogenic. Review status: criteria provided, multiple submitters, no conflicts (2 of 4 stars). 8 submissions from 8 submitters: Pathogenic (4); Likely pathogenic (3). 1 of the submissions does not count toward it. Last evaluated 2025-08-01.

Conditions:
Wilson disease (WND). Also called: Wilson's disease. Identifiers: Orphanet 905, MedGen C0019202, MONDO:0010200, OMIM 277900. Disease mechanism: loss of function.

Allele frequency attached by ClinVar (database versions not stated): gnomAD exomes 0.00001; TOPMed 0.00001.
gnomAD v4.1: 4 of 1,613,944 alleles (0.00025%); highest among the groups gnomAD compares: East Asian, 0.0022%; no homozygotes.

Submissions (8):

CeGaT Center for Human Genetics Tuebingen
Classification: Pathogenic. Last evaluated: 2025-08-01. Review status: criteria provided, single submitter. Criteria: CeGaT Center For Human Genetics Tuebingen Variant Classification Criteria Version 2. Collection method: clinical testing. Allele origin: germline. Affected: yes. Observed: 2 variant alleles.
Comment: ATP7B: PM3:Very Strong, PM1, PM2, PP4

All of Us Research Program, National Institutes of Health
Classification: Likely pathogenic for Wilson disease. Last evaluated: 2024-08-06. Review status: criteria provided, single submitter. Criteria: ACMG Guidelines, 2015. Collection method: clinical testing. Allele origin: germline. Inheritance: Autosomal recessive inheritance. Observed: 6 variant alleles, 6 heterozygotes.
Comment: This missense variant replaces aspartic acid with valine at codon 1047 of the ATP7B protein. Computational prediction is inconclusive regarding the impact of this variant on protein structure and function (internally defined REVEL score threshold 0.5 < inconclusive < 0.7, PMID: 27666373). To our knowledge, functional studies have not been reported for this variant. This variant has been observed in the compound heterozygous and homozygous states in individuals affected with autosomal recessive Wilson disease (PMID: 18034201, 19700008, 23843956, 27022412, 27398169, 30384382, 30702195, 33431708, 33640437), indicating that this variant contributes to disease. This variant has been identified in 3/249210 chromosomes in the general population by the Genome Aggregation Database (gnomAD). Based on the available evidence, this variant is classified as Likely Pathogenic.

This study involves interpretation of variants in research participants for the purpose of population health screening. Participant phenotype was not available at the time of variant classification. Additional details can be found in publication PMID: 35346344, PMCID: PMC8962531

Labcorp Genetics (formerly Invitae), Labcorp
Classification: Pathogenic for Wilson disease. Last evaluated: 2023-11-02. Review status: criteria provided, single submitter. Criteria: Invitae Variant Classification Sherloc (09022015). Collection method: clinical testing. Allele origin: germline.
Comment: This sequence change replaces aspartic acid, which is acidic and polar, with valine, which is neutral and non-polar, at codon 1047 of the ATP7B protein (p.Asp1047Val). This variant is present in population databases (no rsID available, gnomAD 0.006%). This missense change has been observed in individual(s) with Wilson disease (PMID: 23843956, 27022412, 27398169, 30384382). ClinVar contains an entry for this variant (Variation ID: 1075644). Advanced modeling of protein sequence and biophysical properties (such as structural, functional, and spatial information, amino acid conservation, physicochemical variation, residue mobility, and thermodynamic stability) performed at Invitae indicates that this missense variant is not expected to disrupt ATP7B protein function with a negative predictive value of 80%. For these reasons, this variant has been classified as Pathogenic.

Baylor Genetics
Classification: Pathogenic for Wilson disease. Last evaluated: 2023-07-20. Review status: criteria provided, single submitter. Criteria: ACMG Guidelines, 2015. Collection method: clinical testing. Allele origin: unknown.

Women's Health and Genetics/Laboratory Corporation of America, LabCorp
Classification: Pathogenic for Wilson disease. Last evaluated: 2023-05-26. Review status: criteria provided, single submitter. Criteria: LabCorp Variant Classification Summary - May 2015. Collection method: clinical testing. Allele origin: germline.
Comment: Variant summary: ATP7B c.3140A>T (p.Asp1047Val) results in a non-conservative amino acid change located in the ATP loop domain (Dong_2016) and P-type ATPase, haloacid dehalogenase domain (IPR044492) of the encoded protein sequence. Three of five in-silico tools predict a damaging effect of the variant on protein function. The variant allele was found at a frequency of 1.2e-05 in 249210 control chromosomes (gnomAD). The available data on variant occurrences in the general population are insufficient to allow any conclusion about variant significance. c.3140A>T has been widely reported in the literature among both homozygous and compound heterozygous, phenotypically well-characterized Chinese individuals affected with classic features of Wilson Disease (e.g., Mak_2008, Gu_2013, Dong_2016, Hua_2016, Xiao_2019, Zhang_2022). These data indicate that the variant is very likely to be associated with disease. The following publications have been ascertained in the context of this evaluation (PMID: 27022412, 23843956, 27398169, 18760268, 30384382, 35220961). Three ClinVar submitters (evaluation after 2014) have cited the variant, and all submitters classified the variant as pathogenic (n = 1) or likely pathogenic (n = 2). Based on the evidence outlined above, the variant was classified as pathogenic.

Genome-Nilou Lab
Classification: Likely pathogenic for Wilson disease. Last evaluated: 2021-08-10. Review status: criteria provided, single submitter. Criteria: ACMG Guidelines, 2015. Collection method: clinical testing. Allele origin: germline. Affected: no.

Mayo Clinic Laboratories, Mayo Clinic
Classification: Likely pathogenic. Last evaluated: 2019-07-23. Review status: criteria provided, single submitter. Criteria: ACMG Guidelines, 2015. Collection method: clinical testing. Allele origin: germline. Observed: 1 variant allele.
Comment: PS4_moderate, PM2, PM3, PP4

Chongqing Key Laboratory of Child Rare Diseases in Infection and Immunity, Children’s Hospital of Chongqing Medical University
Classification: Uncertain significance for Wilson disease. Last evaluated: 2024-01-01. Review status: flagged submission. Criteria: ACMG Guidelines, 2015. Collection method: clinical testing. Allele origin: germline. Inheritance: Autosomal recessive inheritance. Affected: yes. Not counted in ClinVar's aggregate classification.
Comment: Classified as Uncertain significance according to the ACMG/AMP 2015 guidelines (PMID:25741868). The classification was based on the available submitted evidence for Wilson disease (OMIM:277900), including clinical-testing observations, variant consequence/protein annotation, and published or ClinVar evidence where available. Supporting information considered: variant annotation: p.Asp1047Val; Missense; Protein domain: P-domain-enriched; submitted notation: NM_000053.4:c.3140A>T (p.Asp1047Val); source variant type: Missense; source domain: P-domain-enriched; allele count n=230: 2.
ClinVar note: Reason: Outlier claim with insufficient supporting evidence

Literature cited by the submitters: PubMed 18034201 (cited by All of Us Research Program, National Institutes of Health and Mayo Clinic Laboratories, Mayo Clinic); PubMed 19700008 (cited by All of Us Research Program, National Institutes of Health and Mayo Clinic Laboratories, Mayo Clinic); PubMed 23843956 (cited by 4 submitters); PubMed 27022412 (cited by 4 submitters); PubMed 27398169 (cited by 4 submitters); PubMed 30384382 (cited by 3 submitters); PubMed 30702195 (cited by All of Us Research Program, National Institutes of Health); PubMed 33431708 (cited by All of Us Research Program, National Institutes of Health); PubMed 33640437 (cited by All of Us Research Program, National Institutes of Health); PubMed 18760268 (cited by Women's Health and Genetics/Laboratory Corporation of America, LabCorp and Mayo Clinic Laboratories, Mayo Clinic); PubMed 35220961 (cited by Women's Health and Genetics/Laboratory Corporation of America, LabCorp); PubMed 22692182 (cited by Mayo Clinic Laboratories, Mayo Clinic); PubMed 9452121 (cited by Mayo Clinic Laboratories, Mayo Clinic).

NM_000053.4(ATP7B):c.3140A>T (p.Asp1047Val)

Gene: ATP7B (ATPase copper transporting beta; minus strand). Cytogenetic location: 13q14.3.
Variant type: single nucleotide variant.
Coding change: c.3140A>T on transcript NM_000053.4 (MANE Select); coding-DNA position 3140, A replaced by T.
Protein change: p.Asp1047Val; replaces aspartic acid 1047 with valine.
Molecular consequence: missense variant.
Genome position (GRCh38, 1-based): chr13:51,944,212, T>A on the plus strand (A>T on the coding strand, the complement: ATP7B is on the minus strand). VCF-style: chr13-51944212-T-A. GRCh37 (hg19) VCF-style: chr13-52518348-T-A.
Other names: c.2519A>T, p.Asp840Val (NM_001005918.3); c.2807A>T, p.Asp936Val (NM_001243182.2); c.2906A>T, p.Asp969Val (NM_001330578.2); c.2888A>T, p.Asp963Val (NM_001330579.2); short protein forms D1047V, D840V, D936V, D963V, D969V.
Identifiers: ClinVar variation 1075644 (VCV001075644.46), dbSNP rs1395504465, ClinGen allele CA388030192.